The following is an entry in ClinVar:

NM_001353921.2(ARHGEF9):c.1036G>A (p.Val346Ile)

Gene: ARHGEF9 (Cdc42 guanine nucleotide exchange factor 9; minus strand). Cytogenetic location: Xq11.1.
Variant type: single nucleotide variant.
Coding change: c.1036G>A on transcript NM_001353921.2 (MANE Select); coding-DNA position 1036, G replaced by A.
Protein change: p.Val346Ile; replaces valine 346 with isoleucine.
Molecular consequence: missense variant. On other transcripts: intron variant (5).
Genome position (GRCh38, 1-based): chrX:63,665,927, C>T on the plus strand (G>A on the coding strand, the complement: ARHGEF9 is on the minus strand). VCF-style: chrX-63665927-C-T. GRCh37 (hg19) VCF-style: chrX-62885807-C-T.
Other names: c.856G>A, p.Val286Ile (NM_001173479.2); c.709G>A, p.Val237Ile (NM_001173480.2, NM_001369042.1); c.952G>A, p.Val318Ile (NM_001330495.2, NM_001369043.1, NM_001369044.1 and 6 more transcripts); c.1054G>A, p.Val352Ile (NM_001353923.1); c.835G>A, p.Val279Ile (NM_001353924.2, NM_001353926.2, NM_001369039.1 and 1 more transcripts); c.1015G>A, p.Val339Ile (NM_001369030.1, NM_001369031.1, NM_015185.3 and 1 more transcripts); c.945+8111G>A (NM_001353922.2); c.861+8111G>A (NM_001369041.1, NM_001353927.2); and 2 more; short protein forms V318I, V339I, V279I, V346I, V286I, V237I, V352I.
Identifiers: ClinVar variation 1497533 (VCV001497533.6), dbSNP rs1556347281, ClinGen allele CA413405572.

ClinVar aggregate classification (germline): Uncertain significance (1 of 4 stars; one submission).

Conditions:
Developmental and epileptic encephalopathy, 8 (DEE8). Also called: HYPEREKPLEXIA AND EPILEPSY. Identifiers: Orphanet 163985, Orphanet 2076, MedGen C1845102, MONDO:0010375, OMIM 300607.

Allele frequency attached by ClinVar (database versions not stated): gnomAD exomes below 0.00001 and 0.00001.

Submission:

Labcorp Genetics (formerly Invitae), Labcorp
Classification: Uncertain significance for Developmental and epileptic encephalopathy, 8. Last evaluated: 2022-02-17. Review status: criteria provided, single submitter. Criteria: Invitae Variant Classification Sherloc (09022015). Collection method: clinical testing. Allele origin: germline.
Comment: This variant has not been reported in the literature in individuals affected with ARHGEF9-related conditions. This sequence change replaces valine, which is neutral and non-polar, with isoleucine, which is neutral and non-polar, at codon 339 of the ARHGEF9 protein (p.Val339Ile). This variant is present in population databases (no rsID available, gnomAD 0.004%). Algorithms developed to predict the effect of missense changes on protein structure and function are either unavailable or do not agree on the potential impact of this missense change (SIFT: "Deleterious"; PolyPhen-2: "Benign"; Align-GVGD: "Class C25"). Algorithms developed to predict the effect of sequence changes on RNA splicing suggest that this variant is not likely to affect RNA splicing. In summary, the available evidence is currently insufficient to determine the role of this variant in disease. Therefore, it has been classified as a Variant of Uncertain Significance.